The following is an entry in ClinVar:

ClinVar aggregate classification (germline): Likely benign. Review status: criteria provided, multiple submitters, no conflicts (2 of 4 stars). 4 submissions from 4 submitters: Likely benign (4). Last evaluated 2026-01-12.

Conditions:
Cardiovascular phenotype. Identifiers: MedGen CN230736.
Myofibrillar myopathy 5. Also called: FILAMINOPATHY, AUTOSOMAL DOMINANT; Filaminopathy (type). Identifiers: Orphanet 171445, MedGen C1836050, MONDO:0012289, OMIM 609524.
Distal myopathy with posterior leg and anterior hand involvement. Also called: WILLIAMS DISTAL MYOPATHY. Identifiers: Orphanet 63273, MedGen C3279722, MONDO:0013550, OMIM 614065.
Hypertrophic cardiomyopathy 26. Also called: Cardiomyopathy, familial hypertrophic, 26. Identifiers: Orphanet 75249, MedGen C4310749, MONDO:0014883, OMIM 617047.

Allele frequency attached by ClinVar (database versions not stated): ExAC 0.00001; gnomAD exomes 0.00002 and 0.00005; TOPMed 0.00004.
gnomAD v4.1: 40 of 1,613,442 alleles (0.0025%); highest among the groups gnomAD compares: Admixed American, 0.022%; no homozygotes.

Submissions (4):

Labcorp Genetics (formerly Invitae), Labcorp
Classification: Likely benign for Distal myopathy with posterior leg and anterior hand involvement; Myofibrillar myopathy 5; Hypertrophic cardiomyopathy 26. Last evaluated: 2026-01-12. Review status: criteria provided, single submitter. Criteria: Invitae Variant Classification Sherloc (09022015). Collection method: clinical testing. Allele origin: germline.

Molecular Diagnostic Laboratory for Inherited Cardiovascular Disease, Montreal Heart Institute
Classification: Likely benign. Last evaluated: 2025-04-09. Review status: criteria provided, single submitter. Criteria: ACMG Guidelines, 2015. Collection method: clinical testing. Allele origin: germline. Affected: no.
Comment: BP6;BP7

Ambry Genetics
Classification: Likely benign for Cardiovascular phenotype. Last evaluated: 2023-08-28. Review status: criteria provided, single submitter. Criteria: Ambry Variant Classification Scheme 2023. Collection method: clinical testing. Allele origin: germline.

Blueprint Genetics
Classification: Likely benign. Last evaluated: 2023-05-22. Review status: criteria provided, single submitter. Criteria: ACMG Guidelines, 2015. Collection method: clinical testing. Allele origin: germline.

NM_001458.5(FLNC):c.2394C>T (p.Asp798=)

Gene: FLNC (filamin C; plus strand). Cytogenetic location: 7q32.1.
Variant type: single nucleotide variant.
Coding change: c.2394C>T on transcript NM_001458.5 (MANE Select); coding-DNA position 2394, C replaced by T.
Protein change: p.Asp798=; no amino-acid change (aspartic acid 798 retained).
Molecular consequence: synonymous variant.
Genome position (GRCh38, 1-based): chr7:128,842,798, C>T. VCF-style: chr7-128842798-C-T. GRCh37 (hg19) VCF-style: chr7-128482852-C-T.
Other names: c.2394C>T, p.Asp798= (NM_001127487.2).
Identifiers: ClinVar variation 472010 (VCV000472010.16), dbSNP rs747802743, ClinGen allele CA4474724.